The following is an entry in ClinVar:

ClinVar aggregate classification (germline): Benign/Likely benign. Review status: criteria provided, multiple submitters, no conflicts (2 of 4 stars). 3 submissions from 3 submitters: Benign (1); Likely benign (2). Last evaluated 2025-08-18.

Conditions:
Cardiovascular phenotype. Identifiers: MedGen CN230736.
Aortic valve disease 2 (AOVD2). Identifiers: MedGen C3542024, MONDO:0013902, OMIM 614823.
Holt-Oram syndrome (HOS). Also called: Ventriculo-radial syndrome; Cardiac-limb syndrome; Heart-hand syndrome, type 1; TBX5-Related Holt-Oram Syndrome. Identifiers: Orphanet 392, MedGen C0265264, MONDO:0007732, OMIM 142900.

Allele frequency attached by ClinVar (database versions not stated): gnomAD 0.00003; TOPMed 0.00005; gnomAD exomes 0.00007; ExAC 0.00008; ESP Exome Variant Server 0.00015.
gnomAD v4.1: 82 of 1,613,864 alleles (0.0051%); highest among the groups gnomAD compares: Non-Finnish European, 0.0064%; no homozygotes.

Submissions (3):

Labcorp Genetics (formerly Invitae), Labcorp
Classification: Likely benign for Aortic valve disease 2. Last evaluated: 2025-08-18. Review status: criteria provided, single submitter. Criteria: Invitae Variant Classification Sherloc (09022015). Collection method: clinical testing. Allele origin: germline.

Ambry Genetics
Classification: Likely benign for Cardiovascular phenotype. Last evaluated: 2019-01-24. Review status: criteria provided, single submitter. Criteria: Ambry Variant Classification Scheme 2023. Collection method: clinical testing. Allele origin: germline.

Illumina Laboratory Services, Illumina
Classification: Benign for Holt-Oram syndrome. Last evaluated: 2018-01-13. Review status: criteria provided, single submitter. Criteria: ICSL Variant Classification Criteria 13 December 2019. Collection method: clinical testing. Allele origin: germline.
Comment: This variant was observed in the ICSL laboratory as part of a predisposition screen in an ostensibly healthy population. It had not been previously curated by ICSL or reported in the Human Gene Mutation Database (HGMD: prior to June 1st, 2018), and was therefore a candidate for classification through an automated scoring system. Utilizing variant allele frequency, disease prevalence and penetrance estimates, and inheritance mode, an automated score was calculated to assess if this variant is too frequent to cause the disease. Based on the score and internal cut-off values, a variant classified as benign is not then subjected to further curation. The score for this variant resulted in a classification of benign for this disease.

NM_181486.4(TBX5):c.1123C>T (p.Arg375Trp)

Gene: TBX5 (T-box transcription factor 5; minus strand). Cytogenetic location: 12q24.21.
Variant type: single nucleotide variant.
Coding change: c.1123C>T on transcript NM_181486.4 (MANE Select); coding-DNA position 1123, C replaced by T.
Protein change: p.Arg375Trp; replaces arginine 375 with tryptophan.
Molecular consequence: missense variant.
Genome position (GRCh38, 1-based): chr12:114,355,966, G>A on the plus strand (C>T on the coding strand, the complement: TBX5 is on the minus strand). VCF-style: chr12-114355966-G-A. GRCh37 (hg19) VCF-style: chr12-114793771-G-A.
Other names: c.1123C>T, p.Arg375Trp (NM_000192.3); c.973C>T, p.Arg325Trp (NM_080717.4); short protein forms R375W, R325W.
Identifiers: ClinVar variation 307304 (VCV000307304.14), dbSNP rs377532269, ClinGen allele CA6809405.